The following is an entry in ClinVar:

NM_001354604.2(MITF):c.1176_1178delinsC (p.Gln393fs)

Gene: MITF (melanocyte inducing transcription factor; plus strand). Cytogenetic location: 3p13.
Variant type: Indel.
Coding change: c.1176_1178delinsC on transcript NM_001354604.2 (MANE Select); coding-DNA positions 1176 to 1178, ACA replaced by C.
Protein change: p.Gln393fs; shifts the reading frame from glutamine 393.
Molecular consequence: frameshift variant.
Genome position (GRCh38, 1-based): chr3:69,959,417-69,959,419, ACA replaced by C. VCF-style: chr3-69959417-ACA-C. GRCh37 (hg19) VCF-style: chr3-70008568-ACA-C.
Other names: c.855_857delACAinsC, p.Gln286Glyfs (NM_000248.3); c.855_857delinsC, p.Gln286fs (NM_000248.4); c.1002_1004delinsC, p.Gln335fs (NM_001184967.2, NM_001354608.2); c.1173_1175delinsC, p.Gln392fs (NM_001354605.2); c.1155_1157delinsC, p.Gln386fs (NM_001354606.2, NM_006722.3); c.1107_1109delinsC, p.Gln370fs (NM_001354607.2); c.837_839delinsC, p.Gln280fs (NM_198158.3); c.1158_1160delinsC, p.Gln387fs (NM_198159.3); and 2 more; short protein forms Q224fs, Q286fs, Q335fs, Q387fs, Q280fs, Q370fs, Q392fs, Q393fs.
Identifiers: ClinVar variation 5000973 (VCV005000973.1).

ClinVar aggregate classification (germline): Likely pathogenic (1 of 4 stars; one submission).

Conditions:
MITF-related disorder. Also called: MITF-related condition.

Submission:

PreventionGenetics, part of Exact Sciences
Classification: Likely pathogenic for MITF-related condition. Last evaluated: 2025-04-08. Review status: criteria provided, single submitter. Criteria: ACMG Guidelines, 2015. Collection method: clinical testing. Allele origin: germline.
Comment: The MITF c.855_857delinsC variant is predicted to result in a frameshift and premature protein termination (p.Gln286Glyfs*3). To our knowledge, this variant has not been reported in the literature or in a large population database (gnomAD), indicating this variant is rare. Frameshift variants in MITF are expected to be pathogenic. This variant is interpreted as likely pathogenic.